The following is an entry in ClinVar:

ClinVar aggregate classification (germline): Uncertain significance. Review status: criteria provided, multiple submitters, no conflicts (2 of 4 stars). 2 submissions from 2 submitters: Uncertain significance (2). Last evaluated 2025-07-31.

Allele frequency attached by ClinVar (database versions not stated): gnomAD exomes 0.00003 and 0.00001; gnomAD 0.00004 and 0.00003; TOPMed 0.00004; ExAC 0.00002.
gnomAD v4.1: 47 of 1,613,938 alleles (0.0029%); highest among the groups gnomAD compares: African/African-American, 0.011%; no homozygotes.

Submissions (2):

Labcorp Genetics (formerly Invitae), Labcorp
Classification: Uncertain significance. Last evaluated: 2025-07-31. Review status: criteria provided, single submitter. Criteria: Invitae Variant Classification Sherloc (09022015). Collection method: clinical testing. Allele origin: germline.
Comment: This sequence change replaces alanine, which is neutral and non-polar, with threonine, which is neutral and polar, at codon 676 of the MKL1 protein (p.Ala676Thr). This variant is present in population databases (rs756187336, gnomAD 0.008%). This variant has not been reported in the literature in individuals affected with MKL1-related conditions. ClinVar contains an entry for this variant (Variation ID: 1682966). An algorithm developed to predict the effect of missense changes on protein structure and function outputs the following: PolyPhen-2: "Benign". The threonine amino acid residue is found in multiple mammalian species, which suggests that this missense change does not adversely affect protein function. In summary, the available evidence is currently insufficient to determine the role of this variant in disease. Therefore, it has been classified as a Variant of Uncertain Significance.

Ambry Genetics
Classification: Uncertain significance. Last evaluated: 2024-12-10. Review status: criteria provided, single submitter. Criteria: Ambry Variant Classification Scheme 2023. Collection method: clinical testing. Allele origin: germline.

NM_020831.6(MRTFA):c.2326G>A (p.Ala776Thr)

Gene: MRTFA (myocardin related transcription factor A; minus strand). Cytogenetic location: 22q13.1.
Variant type: single nucleotide variant.
Coding change: c.2326G>A on transcript NM_020831.6 (MANE Select); coding-DNA position 2326, G replaced by A.
Protein change: p.Ala776Thr; replaces alanine 776 with threonine.
Molecular consequence: missense variant.
Genome position (GRCh38, 1-based): chr22:40,418,412, C>T on the plus strand (G>A on the coding strand, the complement: MRTFA is on the minus strand). VCF-style: chr22-40418412-C-T. GRCh37 (hg19) VCF-style: chr22-40814416-C-T.
Other names: c.2026G>A, p.Ala676Thr (NM_001282660.2); c.2176G>A, p.Ala726Thr (NM_001282661.3); c.2326G>A, p.Ala776Thr (NM_001282662.3); c.2131G>A, p.Ala711Thr (NM_001318139.2); c.2026G>A (NM_020831.3); short protein forms A676T, A711T, A726T, A776T.
Identifiers: ClinVar variation 1682966 (VCV001682966.9), dbSNP rs756187336, ClinGen allele CA10249370.